The following is an entry in ClinVar:

ClinVar aggregate classification (germline): Uncertain significance (1 of 4 stars; one submission).

Submission:

Labcorp Genetics (formerly Invitae), Labcorp
Classification: Uncertain significance. Last evaluated: 2022-10-20. Review status: criteria provided, single submitter. Criteria: Invitae Variant Classification Sherloc (09022015). Collection method: clinical testing. Allele origin: germline.
Comment: This variant has not been reported in the literature in individuals affected with KMT2B-related conditions. This variant is not present in population databases (gnomAD no frequency). This sequence change replaces arginine, which is basic and polar, with lysine, which is basic and polar, at codon 2325 of the KMT2B protein (p.Arg2325Lys). Advanced modeling of protein sequence and biophysical properties (such as structural, functional, and spatial information, amino acid conservation, physicochemical variation, residue mobility, and thermodynamic stability) performed at Invitae indicates that this missense variant is not expected to disrupt KMT2B protein function. In summary, the available evidence is currently insufficient to determine the role of this variant in disease. Therefore, it has been classified as a Variant of Uncertain Significance.

NM_014727.3(KMT2B):c.6974G>A (p.Arg2325Lys)

Gene: KMT2B (lysine methyltransferase 2B; plus strand). Cytogenetic location: 19q13.12.
Variant type: single nucleotide variant.
Coding change: c.6974G>A on transcript NM_014727.3 (MANE Select); coding-DNA position 6974, G replaced by A.
Protein change: p.Arg2325Lys; replaces arginine 2325 with lysine.
Molecular consequence: missense variant.
Genome position (GRCh38, 1-based): chr19:35,733,611, G>A. VCF-style: chr19-35733611-G-A. GRCh37 (hg19) VCF-style: chr19-36224512-G-A.
Other names: short protein forms R2325K.
Identifiers: ClinVar variation 2878326 (VCV002878326.3), dbSNP rs2513357143, ClinGen allele CA405430977.